The following is an entry in ClinVar:

NM_020745.4(AARS2):c.*1719T>C

Gene: AARS2 (alanyl-tRNA synthetase 2, mitochondrial; minus strand). Cytogenetic location: 6p21.1.
Variant type: single nucleotide variant.
Coding change: c.*1719T>C on transcript NM_020745.4 (MANE Select); 1719 bases downstream of the stop codon, T replaced by C.
Molecular consequence: 3 prime UTR variant.
Genome position (GRCh38, 1-based): chr6:44,298,828, A>G on the plus strand (T>C on the coding strand, the complement: AARS2 is on the minus strand). VCF-style: chr6-44298828-A-G. GRCh37 (hg19) VCF-style: chr6-44266565-A-G.
Identifiers: ClinVar variation 357023 (VCV000357023.5), dbSNP rs79454687, ClinGen allele CA10626921.

ClinVar aggregate classification (germline): Benign (1 of 4 stars; one submission).

Conditions:
Combined oxidative phosphorylation defect type 8. Also called: CARDIOMYOPATHY, HYPERTROPHIC MITOCHONDRIAL, FATAL INFANTILE. Identifiers: Orphanet 319504, MedGen C4518839, MONDO:0013570, OMIM 614096.

Allele frequency attached by ClinVar (database versions not stated): gnomAD 0.01010 and 0.01085; 1000 Genomes Project 0.01078; TOPMed 0.01114; 1000 Genomes Project 30x 0.01156.

Submission:

Illumina Laboratory Services, Illumina
Classification: Benign for Combined oxidative phosphorylation defect type 8. Last evaluated: 2018-01-13. Review status: criteria provided, single submitter. Criteria: ICSL Variant Classification Criteria 13 December 2019. Collection method: clinical testing. Allele origin: germline.
Comment: This variant was observed in the ICSL laboratory as part of a predisposition screen in an ostensibly healthy population. It had not been previously curated by ICSL or reported in the Human Gene Mutation Database (HGMD: prior to June 1st, 2018), and was therefore a candidate for classification through an automated scoring system. Utilizing variant allele frequency, disease prevalence and penetrance estimates, and inheritance mode, an automated score was calculated to assess if this variant is too frequent to cause the disease. Based on the score and internal cut-off values, a variant classified as benign is not then subjected to further curation. The score for this variant resulted in a classification of benign for this disease.